The following is an entry in ClinVar:

NM_153676.4(USH1C):c.76C>T (p.Leu26Phe)

Gene: USH1C (USH1 protein network component harmonin; minus strand). Cytogenetic location: 11p15.1.
Variant type: single nucleotide variant.
Coding change: c.76C>T on transcript NM_153676.4 (MANE Select); coding-DNA position 76, C replaced by T.
Protein change: p.Leu26Phe; replaces leucine 26 with phenylalanine.
Molecular consequence: missense variant. On other transcripts: non-coding transcript variant (1).
Genome position (GRCh38, 1-based): chr11:17,533,283, G>A on the plus strand (C>T on the coding strand, the complement: USH1C is on the minus strand). VCF-style: chr11-17533283-G-A. GRCh37 (hg19) VCF-style: chr11-17554830-G-A.
Other names: c.76C>T, p.Leu26Phe (NM_001297764.2, NM_005709.4); short protein forms L26F.
Identifiers: ClinVar variation 78290 (VCV000078290.12), dbSNP rs267602805, ClinGen allele CA218466943.

ClinVar aggregate classification (germline): Uncertain significance. Review status: criteria provided, single submitter (1 of 4 stars). 3 submissions from 3 submitters: Uncertain significance (1). 2 of the submissions do not count toward it. Last evaluated 2020-02-08.

Conditions:
Usher syndrome type 1C. Also called: USHER SYNDROME, TYPE I, ACADIAN VARIETY. Identifiers: Orphanet 231169, Orphanet 886, MedGen C1848604, MONDO:0010171, OMIM 276904.
Autosomal recessive nonsyndromic hearing loss 18A. Also called: DEAFNESS, AUTOSOMAL RECESSIVE 18; Deafness, autosomal recessive 18A. Identifiers: Orphanet 90636, MedGen C1865870, MONDO:0011192, OMIM 602092.

Allele frequency attached by ClinVar (database versions not stated): gnomAD 0.00001.
gnomAD v4.1: 1 of 1,613,746 alleles (0.000062%); highest among the groups gnomAD compares: African/African-American, 0.0013%; no homozygotes.

Submissions (3):

Labcorp Genetics (formerly Invitae), Labcorp
Classification: Uncertain significance. Last evaluated: 2020-02-08. Review status: criteria provided, single submitter. Criteria: Invitae Variant Classification Sherloc (09022015). Collection method: clinical testing. Allele origin: germline.
Comment: This variant has not been reported in the literature in individuals with USH1C-related conditions. ClinVar contains an entry for this variant (Variation ID: 78290). This variant is not present in population databases (ExAC no frequency). This sequence change replaces leucine with phenylalanine at codon 26 of the USH1C protein (p.Leu26Phe). The leucine residue is highly conserved and there is a small physicochemical difference between leucine and phenylalanine. Algorithms developed to predict the effect of missense changes on protein structure and function (SIFT, PolyPhen-2, Align-GVGD) all suggest that this variant is likely to be tolerated, but these predictions have not been confirmed by published functional studies and their clinical significance is uncertain. In summary, the available evidence is currently insufficient to determine the role of this variant in disease. Therefore, it has been classified as a Variant of Uncertain Significance.

Natera, Inc.
Classification: Uncertain significance for Usher syndrome type 1C. Last evaluated: 2020-06-18. Review status: no assertion criteria provided. Collection method: clinical testing. Allele origin: germline. Not counted in ClinVar's aggregate classification.

Counsyl
Classification: Uncertain significance for Usher syndrome type 1C; Autosomal recessive nonsyndromic hearing loss 18A. Last evaluated: 2018-04-04. Review status: no assertion criteria provided. Collection method: clinical testing. Allele origin: unknown. Not counted in ClinVar's aggregate classification.